The following is an entry in ClinVar:

ClinVar aggregate classification (germline): Pathogenic (1 of 4 stars; one submission).

Submission:

Labcorp Genetics (formerly Invitae), Labcorp
Classification: Pathogenic. Last evaluated: 2021-08-20. Review status: criteria provided, single submitter. Criteria: Invitae Variant Classification Sherloc (09022015). Collection method: clinical testing. Allele origin: germline.
Comment: Algorithms developed to predict the effect of sequence changes on RNA splicing suggest that this variant may create or strengthen a splice site. For these reasons, this variant has been classified as Pathogenic. This sequence change creates a premature translational stop signal (p.Asp1133_Gln1134insHisArgArgTrp*) in the ABCB11 gene. It is expected to result in an absent or disrupted protein product. Loss-of-function variants in ABCB11 are known to be pathogenic (PMID: 18395098, 20232290). This variant is not present in population databases (ExAC no frequency). This variant has not been reported in the literature in individuals affected with ABCB11-related conditions.

Literature cited by the submitters: PubMed 18395098; PubMed 20232290.

NM_003742.4(ABCB11):c.3401_3402insTAGAAGGTGGTAAGCCTTCTATGATCCTGATCA (p.Gln1134delinsHisArgArgTrpTer)

Gene: ABCB11 (ATP binding cassette subfamily B member 11; minus strand). Cytogenetic location: 2q31.1.
Variant type: Insertion.
Coding change: c.3401_3402insTAGAAGGTGGTAAGCCTTCTATGATCCTGATCA on transcript NM_003742.4 (MANE Select); coding-DNA positions 3401 to 3402, TAGAAGGTGGTAAGCCTTCTATGATCCTGATCA inserted.
Protein change: p.Gln1134delinsHisArgArgTrpTer.
Molecular consequence: nonsense.
Genome position: GRCh38: chr2:168,930,691-168,930,692. GRCh37 (hg19): chr2:169,787,201-169,787,202.
Identifiers: ClinVar variation 1427966 (VCV001427966.6), dbSNP rs2105888351, ClinGen allele CA2573133562.
Genomic context (GRCh38, chr2:168,930,674, plus strand): 5'-TTGGAAATACTCTGCAGAAGGCAAAATTCTCAAAAAGGTTGCGTGGCTTACCACCTTCCC[T>TTGATCAGGATCATAGAAGGCTTACCACCTTCTA]TGATCAGGATCATAGAAACGTTCCAACAGCTGAATGCTAGTGCTTTTGCCACATCCACTG-3'